The following is an entry in ClinVar:

ClinVar aggregate classification (germline): Conflicting classifications of pathogenicity. Review status: criteria provided, conflicting classifications (1 of 4 stars). 2 submissions from 2 submitters: Uncertain significance (1); Likely benign (1). Last evaluated 2026-07-07.

Conditions:
Hereditary cancer-predisposing syndrome. Also called: Tumor predisposition; Hereditary neoplastic syndrome; Neoplastic Syndromes, Hereditary; Hereditary Cancer Syndrome. Identifiers: Orphanet 140162, MedGen C0027672, MeSH D009386, MONDO:0015356.
Carney-Stratakis syndrome. Also called: PARAGANGLIOMA AND GASTROINTESTINAL STROMAL TUMOR. Identifiers: Orphanet 97286, MedGen C1847319, MONDO:0011740, OMIM 606864.
Cowden syndrome 3 (CWS3). Identifiers: Orphanet 201, MedGen CN166604, MONDO:0014045.
Pheochromocytoma. Also called: MAX-Related Hereditary Paraganglioma-Pheochromocytoma Syndrome. Identifiers: Orphanet 29072, MedGen C0031511, MONDO:0008233, OMIM 171300, HP:0002666.
Paragangliomas with sensorineural hearing loss. Identifiers: MedGen C1868633.

Submissions (2):

Ambry Genetics
Classification: Likely benign for Hereditary cancer-predisposing syndrome. Last evaluated: 2026-07-07. Review status: criteria provided, single submitter. Criteria: Ambry Variant Classification Scheme 2023. Collection method: clinical testing. Allele origin: germline.

Labcorp Genetics (formerly Invitae), Labcorp
Classification: Uncertain significance for Carney-Stratakis syndrome; Paragangliomas with sensorineural hearing loss; Pheochromocytoma; Cowden syndrome 3. Last evaluated: 2022-07-29. Review status: criteria provided, single submitter. Criteria: Invitae Variant Classification Sherloc (09022015). Collection method: clinical testing. Allele origin: germline.
Comment: In summary, the available evidence is currently insufficient to determine the role of this variant in disease. Therefore, it has been classified as a Variant of Uncertain Significance. Advanced modeling of protein sequence and biophysical properties (such as structural, functional, and spatial information, amino acid conservation, physicochemical variation, residue mobility, and thermodynamic stability) performed at Invitae indicates that this missense variant is not expected to disrupt SDHD protein function. This variant has not been reported in the literature in individuals affected with SDHD-related conditions. This variant is not present in population databases (gnomAD no frequency). This sequence change replaces histidine, which is basic and polar, with arginine, which is basic and polar, at codon 55 of the SDHD protein (p.His55Arg).

NM_003002.4(SDHD):c.164A>G (p.His55Arg)

Gene: SDHD (succinate dehydrogenase complex subunit D; plus strand). Cytogenetic location: 11q23.1.
Variant type: single nucleotide variant.
Coding change: c.164A>G on transcript NM_003002.4 (MANE Select); coding-DNA position 164, A replaced by G.
Protein change: p.His55Arg; replaces histidine 55 with arginine.
Molecular consequence: missense variant. On other transcripts: non-coding transcript variant (1), intron variant (1).
Genome position (GRCh38, 1-based): chr11:112,087,968, A>G. VCF-style: chr11-112087968-A-G. GRCh37 (hg19) VCF-style: chr11-111958692-A-G.
Other names: c.164A>G, p.His55Arg (NM_001276503.2, NM_001276506.2); c.53-899A>G (NM_001276504.2); c.164A>G (NM_003002.2); short protein forms H55R.
Identifiers: ClinVar variation 1714167 (VCV001714167.7), dbSNP rs1865656869, ClinGen allele CA382617123.